The following is an entry in ClinVar:

ClinVar aggregate classification (germline): Uncertain significance. Review status: criteria provided, multiple submitters, no conflicts (2 of 4 stars). 2 submissions from 2 submitters: Uncertain significance (2). Last evaluated 2022-08-05.

Conditions:
Orofaciodigital syndrome type 6 (OFD6). Also called: Oral-facial-digital syndrome type 6; Central polydactyly cleft lip/palate or lingual lump and psychomotor retardation; Y-shaped central metacarpal and cerebellar defect; Joubert syndrome with orofacialdigital anomalies; OROFACIODIGITAL SYNDROME VI; OFDS VI. Identifiers: Orphanet 2754, MedGen C2745997, MONDO:0010176, OMIM 277170.
Joubert syndrome 17 (JBTS17). Identifiers: Orphanet 475, MedGen C3553264, MONDO:0013824, OMIM 614615.

Allele frequency attached by ClinVar (database versions not stated): gnomAD exomes 0.00001 and 0.00003; ExAC 0.00002; TOPMed 0.00003.
gnomAD v4.1: 43 of 1,614,062 alleles (0.0027%); highest among the groups gnomAD compares: Non-Finnish European, 0.0036%; no homozygotes.

Submissions (2):

Labcorp Genetics (formerly Invitae), Labcorp
Classification: Uncertain significance. Last evaluated: 2022-08-05. Review status: criteria provided, single submitter. Criteria: Invitae Variant Classification Sherloc (09022015). Collection method: clinical testing. Allele origin: germline.
Comment: In summary, the available evidence is currently insufficient to determine the role of this variant in disease. Therefore, it has been classified as a Variant of Uncertain Significance. Advanced modeling of protein sequence and biophysical properties (such as structural, functional, and spatial information, amino acid conservation, physicochemical variation, residue mobility, and thermodynamic stability) performed at Invitae indicates that this missense variant is not expected to disrupt CPLANE1 protein function. ClinVar contains an entry for this variant (Variation ID: 1393493). This variant has not been reported in the literature in individuals affected with CPLANE1-related conditions. This variant is present in population databases (rs752372376, gnomAD 0.002%). This sequence change replaces histidine, which is basic and polar, with asparagine, which is neutral and polar, at codon 2242 of the CPLANE1 protein (p.His2242Asn).

Fulgent Genetics
Classification: Uncertain significance for Orofaciodigital syndrome type 6; Joubert syndrome 17. Last evaluated: 2022-01-20. Review status: criteria provided, single submitter. Criteria: ACMG Guidelines, 2015. Collection method: clinical testing. Allele origin: unknown.

NM_001384732.1(CPLANE1):c.6724C>A (p.His2242Asn)

Gene: CPLANE1 (ciliogenesis and planar polarity effector complex subunit 1; minus strand). Cytogenetic location: 5p13.2.
Variant type: single nucleotide variant.
Coding change: c.6724C>A on transcript NM_001384732.1 (MANE Select); coding-DNA position 6724, C replaced by A.
Protein change: p.His2242Asn; replaces histidine 2242 with asparagine.
Molecular consequence: missense variant.
Genome position (GRCh38, 1-based): chr5:37,169,300, G>T on the plus strand (C>A on the coding strand, the complement: CPLANE1 is on the minus strand). VCF-style: chr5-37169300-G-T. GRCh37 (hg19) VCF-style: chr5-37169402-G-T.
Other names: c.6724C>A, p.His2242Asn (NM_023073.4); short protein forms H2242N.
Identifiers: ClinVar variation 1393493 (VCV001393493.7), dbSNP rs752372376, ClinGen allele CA3238197.
Genomic context (GRCh38, chr5:37,169,300, plus strand): 5'-CCCAAGCCTCTCTTGGTTGTGGCAAAGGCCTGAAGGGAACTTGTGGAATACTTCCTGTAT[G>T]TAAGAAAAGGGGCTGGAATTCTTGTTTAGACTTAAATTGAAGCAAAGGAAAGCCATCACC-3'
Protein context (NP_001371661.1, residues 2232-2252): SKQEFQPLFL[His2242Asn]TGSIPQVPFR